The following is an entry in ClinVar:

NM_001318895.3(FHL2):c.10C>A (p.Arg4Ser)

Gene: FHL2 (four and a half LIM domains 2; minus strand). Cytogenetic location: 2q12.2.
Variant type: single nucleotide variant.
Coding change: c.10C>A on transcript NM_001318895.3 (MANE Select); coding-DNA position 10, C replaced by A.
Protein change: p.Arg4Ser; replaces arginine 4 with serine.
Molecular consequence: missense variant. On other transcripts: 5 prime UTR variant (3).
Genome position (GRCh38, 1-based): chr2:105,386,507, G>T on the plus strand (C>A on the coding strand, the complement: FHL2 is on the minus strand). VCF-style: chr2-105386507-G-T. GRCh37 (hg19) VCF-style: chr2-106002964-G-T.
Other names: c.10C>A, p.Arg4Ser (NM_001039492.3, NM_001318894.1, NM_001318896.2 and 4 more transcripts); c.-158C>A (NM_001318897.2, NM_001318898.2); c.-437C>A (NM_001318899.2); short protein forms R4S.
Identifiers: ClinVar variation 2722050 (VCV002722050.3), dbSNP rs536715218, ClinGen allele CA1814890.

ClinVar aggregate classification (germline): Uncertain significance (1 of 4 stars; one submission).

Conditions:
Primary dilated cardiomyopathy (DCM). Also called: Dilated Cardiomyopathy. Identifiers: Orphanet 217604, MedGen C0007193, MeSH D002311, MONDO:0005021, HP:0001644. Inheritance: Various modes of inheritance.

Allele frequency attached by ClinVar (database versions not stated): TOPMed 0.00002.
gnomAD v4.1: 21 of 1,614,012 alleles (0.0013%); highest among the groups gnomAD compares: Non-Finnish European, 0.0018%; no homozygotes.

Submission:

Labcorp Genetics (formerly Invitae), Labcorp
Classification: Uncertain significance for Primary dilated cardiomyopathy. Last evaluated: 2025-08-27. Review status: criteria provided, single submitter. Criteria: Invitae Variant Classification Sherloc (09022015). Collection method: clinical testing. Allele origin: germline.
Comment: This sequence change replaces arginine, which is basic and polar, with serine, which is neutral and polar, at codon 4 of the FHL2 protein (p.Arg4Ser). This variant is present in population databases (rs536715218, gnomAD 0.004%). This variant has not been reported in the literature in individuals affected with FHL2-related conditions. ClinVar contains an entry for this variant (Variation ID: 2722050). An algorithm developed to predict the effect of missense changes on protein structure and function (PolyPhen-2) suggests that this variant is likely to be disruptive. In summary, the available evidence is currently insufficient to determine the role of this variant in disease. Therefore, it has been classified as a Variant of Uncertain Significance.